The following is an entry in ClinVar:

ClinVar aggregate classification (germline): Conflicting classifications of pathogenicity. Review status: criteria provided, conflicting classifications (1 of 4 stars). 4 submissions from 4 submitters: Uncertain significance (3); Likely benign (1). Last evaluated 2025-12-10.

Conditions:
Hereditary cancer-predisposing syndrome. Also called: Hereditary neoplastic syndrome; Neoplastic Syndromes, Hereditary; Tumor predisposition; Hereditary Cancer Syndrome. Identifiers: Orphanet 140162, MedGen C0027672, MeSH D009386, MONDO:0015356.
Multiple endocrine neoplasia type 4. Also called: MULTIPLE ENDOCRINE NEOPLASIA, TYPE IV. Identifiers: Orphanet 276152, MedGen C1970712, MONDO:0012552, OMIM 610755.

Allele frequency attached by ClinVar (database versions not stated): TOPMed 0.00001; gnomAD 0.00003.

Submissions (4):

Labcorp Genetics (formerly Invitae), Labcorp
Classification: Uncertain significance for Multiple endocrine neoplasia type 4. Last evaluated: 2025-12-10. Review status: criteria provided, single submitter. Criteria: Invitae Variant Classification Sherloc (09022015). Collection method: clinical testing. Allele origin: germline.
Comment: This sequence change replaces proline, which is neutral and non-polar, with leucine, which is neutral and non-polar, at codon 95 of the CDKN1B protein (p.Pro95Leu). This variant is present in population databases (rs200141048, gnomAD 0.006%). This variant has not been reported in the literature in individuals affected with CDKN1B-related conditions. ClinVar contains an entry for this variant (Variation ID: 469016). An algorithm developed to predict the effect of missense changes on protein structure and function (PolyPhen-2) suggests that this variant is likely to be tolerated. In summary, the available evidence is currently insufficient to determine the role of this variant in disease. Therefore, it has been classified as a Variant of Uncertain Significance.

Quest Diagnostics Nichols Institute San Juan Capistrano
Classification: Uncertain significance. Last evaluated: 2024-03-18. Review status: criteria provided, single submitter. Criteria: Quest Diagnostics criteria. Collection method: clinical testing. Allele origin: unknown.
Comment: The CDKN1B c.284C>T (p.Pro95Leu) variant has not been reported in individuals with CDKN1B-related conditions in the published literature. The frequency of this variant in the general population, 0.000047 (6/128700 chromosomes (Genome Aggregation Database)), is uninformative in the assessment of its pathogenicity. Analysis of this variant using bioinformatics tools for the prediction of the effect of amino acid changes on protein structure and function yielded predictions that this variant is benign. Based on the available information, we are unable to determine the clinical significance of this variant.

Baylor Genetics
Classification: Uncertain significance for Multiple endocrine neoplasia type 4. Last evaluated: 2023-12-15. Review status: criteria provided, single submitter. Criteria: ACMG Guidelines, 2015. Collection method: clinical testing. Allele origin: unknown.

Ambry Genetics
Classification: Likely benign for Hereditary cancer-predisposing syndrome. Last evaluated: 2023-07-18. Review status: criteria provided, single submitter. Criteria: Ambry Variant Classification Scheme 2023. Collection method: clinical testing. Allele origin: germline.

NM_004064.5(CDKN1B):c.284C>T (p.Pro95Leu)

Gene: CDKN1B (cyclin dependent kinase inhibitor 1B; plus strand). Cytogenetic location: 12p13.1.
Variant type: single nucleotide variant.
Coding change: c.284C>T on transcript NM_004064.5 (MANE Select); coding-DNA position 284, C replaced by T.
Protein change: p.Pro95Leu; replaces proline 95 with leucine.
Molecular consequence: missense variant.
Genome position (GRCh38, 1-based): chr12:12,718,123, C>T. VCF-style: chr12-12718123-C-T. GRCh37 (hg19) VCF-style: chr12-12871057-C-T.
Other names: short protein forms P95L.
Identifiers: ClinVar variation 469016 (VCV000469016.16), dbSNP rs200141048, ClinGen allele CA6457449.